The following is an entry in ClinVar:

NM_024580.6(EFL1):c.304G>T (p.Glu102Ter)

Gene: EFL1 (elongation factor like GTPase 1; minus strand). Cytogenetic location: 15q25.2.
Variant type: single nucleotide variant.
Coding change: c.304G>T on transcript NM_024580.6 (MANE Select); coding-DNA position 304, G replaced by T.
Protein change: p.Glu102Ter; replaces glutamic acid 102 with a stop codon.
Molecular consequence: nonsense. On other transcripts: 5 prime UTR variant (1), non-coding transcript variant (1).
Genome position (GRCh38, 1-based): chr15:82,241,344, C>A on the plus strand (G>T on the coding strand, the complement: EFL1 is on the minus strand). VCF-style: chr15-82241344-C-A. GRCh37 (hg19) VCF-style: chr15-82533685-C-A.
Other names: NM_024580.6(EFL1):c.304G>T; p.Glu102Ter; c.151G>T, p.Glu51Ter (NM_001040610.3); c.-486G>T (NM_001322844.2); c.304G>T, p.Glu102Ter (NM_001322845.2); short protein forms E102*, E51*.
Identifiers: ClinVar variation 3048918 (VCV003048918.4), dbSNP rs1287670685, ClinGen allele CA393282528.

ClinVar aggregate classification (germline): Uncertain significance. Review status: criteria provided, multiple submitters, no conflicts (2 of 4 stars). 2 submissions from 2 submitters: Uncertain significance (2). Last evaluated 2025-11-10.

Conditions:
EFL1-related disorder. Also called: EFL1-related condition.
Shwachman syndrome. Also called: PANCREATIC INSUFFICIENCY AND BONE MARROW DYSFUNCTION; SHWACHMAN-BODIAN SYNDROME; Shwachman-Diamond Syndrome. Identifiers: Orphanet 811, MedGen C0272170, MONDO:0009833.

Submissions (2):

PreventionGenetics, part of Exact Sciences
Classification: Uncertain significance for EFL1-related condition. Last evaluated: 2025-11-10. Review status: criteria provided, single submitter. Criteria: ACMG Guidelines, 2015. Collection method: clinical testing. Allele origin: germline.
Comment: The EFL1 c.304G>T variant is predicted to result in premature protein termination (p.Glu102*). To our knowledge, this variant has not been reported in the literature or in a large population database, indicating this variant is rare. Loss of function has not been conclusively established as a mechanism for EFL1-related disorders. At this time, the clinical significance of this variant is uncertain due to the absence of conclusive functional and genetic evidence.

Broad Center for Mendelian Genomics, Broad Institute of MIT and Harvard
Classification: Uncertain significance for Shwachman syndrome. Last evaluated: 2025-06-26. Review status: criteria provided, single submitter. Criteria: ACMG Guidelines, 2015. Collection method: curation. Allele origin: germline. Inheritance: Autosomal recessive inheritance. Study: GREGoR Consortium.
Comment: Long read genome analysis revealed that this variant was in trans with the VUS. The p.Glu102Ter variant in EFL1 has not been previously reported in the literature in individuals with Shwachman-Diamond syndrome, and was absent from large population studies. This variant has also been reported in ClinVar (Variation ID: 3048918) and has been interpreted as a variant of uncertain significance by PreventionGenetics. This nonsense variant leads to a premature termination codon at position 102, which is predicted to lead to a truncated or absent protein. Loss of function of the EFL1 gene is strongly associated to autosomal recessive Shwachman-Diamond syndrome. Furthermore, although this gene has been reported in association with Shwachman-Diamond syndrome, it currently has moderate evidence for these associations. In summary, while there is some suspicion for a pathogenic role, the clinical significance of this variant is uncertain.